The following is an entry in ClinVar:

NM_014847.4(UBAP2L):c.1237G>T (p.Ala413Ser)

Gene: UBAP2L (ubiquitin associated protein 2 like; plus strand). Cytogenetic location: 1q21.3.
Variant type: single nucleotide variant.
Coding change: c.1237G>T on transcript NM_014847.4 (MANE Select); coding-DNA position 1237, G replaced by T.
Protein change: p.Ala413Ser; replaces alanine 413 with serine.
Molecular consequence: missense variant.
Genome position (GRCh38, 1-based): chr1:154,251,064, G>T. VCF-style: chr1-154251064-G-T. GRCh37 (hg19) VCF-style: chr1-154223540-G-T.
Other names: c.1237G>T, p.Ala413Ser (NM_001375619.1, NM_001375620.1, NM_001375621.1 and 14 more transcripts); c.1270G>T, p.Ala424Ser (NM_001375625.1, NM_001287816.1, NM_001330730.1 and 2 more transcripts); c.1216G>T, p.Ala406Ser (NM_001287815.1); short protein forms A406S, A424S, A413S.
Identifiers: ClinVar variation 3185478 (VCV003185478.5), dbSNP rs528881045, ClinGen allele CA1126649.

ClinVar aggregate classification (germline): Conflicting classifications of pathogenicity. Review status: criteria provided, conflicting classifications (1 of 4 stars). 2 submissions from 2 submitters: Uncertain significance (1); Likely benign (1). Last evaluated 2026-09-01.

gnomAD v4.1: 82 of 1,612,062 alleles (0.0051%); highest among the groups gnomAD compares: Admixed American, 0.01%; no homozygotes.

Submissions (2):

CeGaT Center for Human Genetics Tuebingen
Classification: Likely benign. Last evaluated: 2026-09-01. Review status: criteria provided, single submitter. Criteria: CeGaT Center For Human Genetics Tuebingen Variant Classification Criteria Version 2. Collection method: clinical testing. Allele origin: germline. Affected: yes. Observed: 2 variant alleles.
Comment: UBAP2L: BP4

Ambry Genetics
Classification: Uncertain significance. Last evaluated: 2024-01-23. Review status: criteria provided, single submitter. Criteria: Ambry Variant Classification Scheme 2023. Collection method: clinical testing. Allele origin: germline.